The following is an entry in ClinVar:

NM_182931.3(KMT2E):c.1485_1490del (p.494KD[1])

Gene: KMT2E (lysine methyltransferase 2E (inactive); plus strand). Cytogenetic location: 7q22.3.
Variant type: Deletion.
Coding change: c.1485_1490del on transcript NM_182931.3 (MANE Select); coding-DNA positions 1485 to 1490, 6 bases deleted (CAAAGA; older notation c.1485_1490delCAAAGA).
Protein change: p.494KD[1].
Genome position (GRCh38, 1-based): chr7:105,090,135-105,090,140, CAAAGA deleted; deleting any 6 consecutive bases within chr7:105,090,130-105,090,140 gives the same sequence; the c. name uses the placement nearest the transcript's 3' end. VCF-style (leftmost placement, unchanged base first): chr7-105090129-AAAAGAC-A. GRCh37 (hg19) VCF-style: chr7-104730576-AAAAGAC-A.
Other names: c.1485_1490del, p.494KD[1] (NM_001410908.1, NM_018682.4).
Identifiers: ClinVar variation 4761116 (VCV004761116.1).

ClinVar aggregate classification (germline): Uncertain significance (1 of 4 stars; one submission).

Submission:

Labcorp Genetics (formerly Invitae), Labcorp
Classification: Uncertain significance. Last evaluated: 2025-03-20. Review status: criteria provided, single submitter. Criteria: Invitae Variant Classification Sherloc (09022015). Collection method: clinical testing. Allele origin: germline.
Comment: This variant, c.1485_1490del, results in the deletion of 2 amino acid(s) of the KMT2E protein (p.Lys496_Asp497del), but otherwise preserves the integrity of the reading frame. This variant is not present in population databases (gnomAD no frequency). This variant has not been reported in the literature in individuals affected with KMT2E-related conditions. Experimental studies and prediction algorithms are not available or were not evaluated, and the functional significance of this variant is currently unknown. In summary, the available evidence is currently insufficient to determine the role of this variant in disease. Therefore, it has been classified as a Variant of Uncertain Significance.